The following is an entry in ClinVar:

ClinVar aggregate classification (germline): Likely benign. Review status: criteria provided, multiple submitters, no conflicts (2 of 4 stars). 3 submissions from 3 submitters: Likely benign (3). Last evaluated 2023-06-26.

Conditions:
Arrhythmogenic right ventricular cardiomyopathy (ARVD). Also called: Arrhythmogenic cardiomyopathy; Cardiomyopathy, ARVC; Arrhythmogenic right ventricular dysplasia; Arrhythmogenic Right Ventricular Cardiomyopathy (ARVC). Identifiers: Orphanet 247, MedGen C0349788, MeSH D019571, MONDO:0016587. Disease mechanism: loss of function. Inheritance: Various modes of inheritance.
Cardiomyopathy (CMYO). Also called: Cardiomyopathies. Identifiers: Orphanet 167848, MedGen C0878544, MONDO:0004994, HP:0001638. Inheritance: Various modes of inheritance.
Arrhythmogenic right ventricular dysplasia 9 (ARVD9). Also called: Arrhythmogenic Right Ventricular Dysplasia/Cardiomyopathy 9; ARRHYTHMOGENIC RIGHT VENTRICULAR DYSPLASIA, FAMILIAL, 9. Identifiers: MedGen C1836906, MONDO:0012180, OMIM 609040.

Allele frequency attached by ClinVar (database versions not stated): gnomAD exomes below 0.00001; ExAC 0.00001.
gnomAD v4.1: 1 of 1,613,578 alleles (0.000062%); highest among the groups gnomAD compares: Non-Finnish European, 0.000085%; no homozygotes.

Submissions (3):

All of Us Research Program, National Institutes of Health
Classification: Likely benign for Arrhythmogenic right ventricular cardiomyopathy. Last evaluated: 2023-06-26. Review status: criteria provided, single submitter. Criteria: ACMG Guidelines, 2015. Collection method: clinical testing. Allele origin: germline. Inheritance: Autosomal dominant inheritance. Observed: 1 variant allele, 1 heterozygote.
Comment: This study involves interpretation of variants in research participants for the purpose of population health screening. Participant phenotype was not available at the time of variant classification. Additional details can be found in publication PMID: 35346344, PMCID: PMC8962531

Labcorp Genetics (formerly Invitae), Labcorp
Classification: Likely benign for Arrhythmogenic right ventricular dysplasia 9. Last evaluated: 2021-09-29. Review status: criteria provided, single submitter. Criteria: Invitae Variant Classification Sherloc (09022015). Collection method: clinical testing. Allele origin: germline.

Color Diagnostics, LLC DBA Color Health
Classification: Likely benign for Cardiomyopathy. Last evaluated: 2019-02-10. Review status: criteria provided, single submitter. Criteria: ACMG Guidelines, 2015. Collection method: clinical testing. Allele origin: germline.

NM_001005242.3(PKP2):c.390C>T (p.Tyr130=)

Gene: PKP2 (plakophilin 2; minus strand). Cytogenetic location: 12p11.21.
Variant type: single nucleotide variant.
Coding change: c.390C>T on transcript NM_001005242.3 (MANE Select); coding-DNA position 390, C replaced by T.
Protein change: p.Tyr130=; no amino-acid change (tyrosine 130 retained).
Molecular consequence: synonymous variant.
Genome position (GRCh38, 1-based): chr12:32,878,490, G>A on the plus strand (C>T on the coding strand, the complement: PKP2 is on the minus strand). VCF-style: chr12-32878490-G-A. GRCh37 (hg19) VCF-style: chr12-33031424-G-A.
Other names: c.390C>T, p.Tyr130= (NM_004572.4).
Identifiers: ClinVar variation 924171 (VCV000924171.10), dbSNP rs763303290, ClinGen allele CA037186.
Genomic context (GRCh38, chr12:32,878,490, plus strand): 5'-AATCTCCAGTCTCCTCAGAGGATGCCTCAAGGACCTTTCTTCCACGGACTTCTGGGAGCT[G>A]TACTGTGCTGTTCCTCTTCCCCAGCGACCTTCATAAGTGGCAGTTGTGCCAGCCTGCACA-3'
Protein context (NP_001005242.2, residues 120-140): EGRWGRGTAQ[Tyr130=]SSQKSVEERS